The following is an entry in ClinVar:

NC_000012.12:g.(?_40691442)_(41073412_?)dup

Gene: CNTN1 (contactin 1; plus strand). Cytogenetic location: 12q12.
Variant type: Duplication.
Identifiers: ClinVar variation 832508 (VCV000832508.9).

ClinVar aggregate classification (germline): Uncertain significance (1 of 4 stars; one submission).

Conditions:
Compton-North congenital myopathy (CMYO12). Identifiers: Orphanet 210163, MedGen C2675527, MONDO:0012929, OMIM 612540.

Submission:

Labcorp Genetics (formerly Invitae), Labcorp
Classification: Uncertain significance for Compton-North congenital myopathy. Last evaluated: 2022-08-15. Review status: criteria provided, single submitter. Criteria: Invitae Variant Classification Sherloc (09022015). Collection method: clinical testing. Allele origin: germline.
Comment: In summary, the available evidence is currently insufficient to determine the role of this variant in disease. Therefore, it has been classified as a Variant of Uncertain Significance. This variant has not been reported in the literature in individuals affected with CNTN1-related conditions. A copy number gain of the genomic region encompassing the full coding sequence of the CNTN1 gene has been identified. The boundaries of this event are unknown as they extend beyond the assayed region for this gene and therefore may encompass additional genes. As the precise location of this event is unknown, it may be in tandem or it may be located elsewhere in the genome.